The following is an entry in ClinVar:

NM_001252024.2(TRPM1):c.2981T>C (p.Ile994Thr)

Genes: TRPM1 (transient receptor potential cation channel subfamily M member 1; minus strand), TRPM1-AS1 (TRPM1 antisense RNA 1; plus strand). Cytogenetic location: 15q13.3.
Variant type: single nucleotide variant.
Coding change: c.2981T>C on transcript NM_001252024.2 (MANE Select); coding-DNA position 2981, T replaced by C.
Protein change: p.Ile994Thr; replaces isoleucine 994 with threonine.
Molecular consequence: missense variant.
Genome position (GRCh38, 1-based): chr15:31,031,129, A>G on the plus strand (T>C on the coding strand, the complement: TRPM1 is on the minus strand). VCF-style: chr15-31031129-A-G. GRCh37 (hg19) VCF-style: chr15-31323332-A-G.
Other names: c.3032T>C, p.Ile1011Thr (NM_001252020.2); c.2915T>C, p.Ile972Thr (NM_002420.6); short protein forms I1011T, I972T, I994T.
Identifiers: ClinVar variation 1354169 (VCV001354169.8), dbSNP rs2140909322, ClinGen allele CA391544994.

ClinVar aggregate classification (germline): Uncertain significance (1 of 4 stars; one submission).

Submission:

Labcorp Genetics (formerly Invitae), Labcorp
Classification: Uncertain significance. Last evaluated: 2020-12-05. Review status: criteria provided, single submitter. Criteria: Invitae Variant Classification Sherloc (09022015). Collection method: clinical testing. Allele origin: germline.
Comment: In summary, the available evidence is currently insufficient to determine the role of this variant in disease. Therefore, it has been classified as a Variant of Uncertain Significance. Algorithms developed to predict the effect of missense changes on protein structure and function (SIFT, PolyPhen-2, Align-GVGD) all suggest that this variant is likely to be disruptive, but these predictions have not been confirmed by published functional studies and their clinical significance is uncertain. This variant has not been reported in the literature in individuals with TRPM1-related conditions. This variant is not present in population databases (ExAC no frequency). This sequence change replaces isoleucine with threonine at codon 972 of the TRPM1 protein (p.Ile972Thr). The isoleucine residue is highly conserved and there is a moderate physicochemical difference between isoleucine and threonine.